The following is an entry in ClinVar:

NM_152424.4(AMER1):c.2320G>T (p.Val774Leu)

Gene: AMER1 (APC membrane recruitment protein 1; minus strand). Cytogenetic location: Xq11.2.
Variant type: single nucleotide variant.
Coding change: c.2320G>T on transcript NM_152424.4 (MANE Select); coding-DNA position 2320, G replaced by T.
Protein change: p.Val774Leu; replaces valine 774 with leucine.
Molecular consequence: missense variant.
Genome position (GRCh38, 1-based): chrX:64,190,967, C>A on the plus strand (G>T on the coding strand, the complement: AMER1 is on the minus strand). VCF-style: chrX-64190967-C-A. GRCh37 (hg19) VCF-style: chrX-63410847-C-A.
Other names: short protein forms V774L.
Identifiers: ClinVar variation 3684124 (VCV003684124.2).
Genomic context (GRCh38, chrX:64,190,967, plus strand): 5'-AGTCAGAGTCAGAGCTGCAGGACATGCTGGAAAAGAGGTTCCCATTGCTGGTGAACTCTA[C>A]CAGGGCCTGTGAGAAACTCACAGTGGCATTCCCTTCCTTCTCAACCTCCTCTTCCTCTGG-3'
Protein context (NP_689637.3, residues 764-784): NATVSFSQAL[Val774Leu]EFTSNGNLFS

ClinVar aggregate classification (germline): Uncertain significance (1 of 4 stars; one submission).

gnomAD v4.1: 2 of 1,211,476 alleles (0.00017%); highest among the groups gnomAD compares: Non-Finnish European, 0.00022%; no homozygotes.

Submission:

Labcorp Genetics (formerly Invitae), Labcorp
Classification: Uncertain significance. Last evaluated: 2024-10-24. Review status: criteria provided, single submitter. Criteria: Invitae Variant Classification Sherloc (09022015). Collection method: clinical testing. Allele origin: germline.
Comment: This sequence change replaces valine, which is neutral and non-polar, with leucine, which is neutral and non-polar, at codon 774 of the AMER1 protein (p.Val774Leu). This variant is not present in population databases (gnomAD no frequency). This variant has not been reported in the literature in individuals affected with AMER1-related conditions. An algorithm developed to predict the effect of missense changes on protein structure and function (PolyPhen-2) suggests that this variant is likely to be disruptive. In summary, the available evidence is currently insufficient to determine the role of this variant in disease. Therefore, it has been classified as a Variant of Uncertain Significance.